The following is an entry in ClinVar:

ClinVar aggregate classification (germline): Conflicting classifications of pathogenicity. Review status: criteria provided, conflicting classifications (1 of 4 stars). 6 submissions from 6 submitters: Uncertain significance (5); Likely benign (1). Last evaluated 2026-06-21.

Conditions:
TTN-related disorder. Also called: TTN-related condition; TTN-related disease; TTN-related disorders.
Cardiovascular phenotype. Identifiers: MedGen CN230736.
Cardiomyopathy (CMYO). Also called: Cardiomyopathies. Identifiers: Orphanet 167848, MedGen C0878544, MONDO:0004994, HP:0001638. Inheritance: Various modes of inheritance.

Allele frequency attached by ClinVar (database versions not stated): gnomAD exomes 0.00004 and 0.00012; ExAC 0.00005; gnomAD 0.00005 and 0.00006; ESP Exome Variant Server 0.00008; TOPMed 0.00008.

Submissions (6):

PreventionGenetics, part of Exact Sciences
Classification: Uncertain significance for TTN-related condition. Last evaluated: 2026-06-21. Review status: criteria provided, single submitter. Criteria: ACMG Guidelines, 2015. Collection method: clinical testing. Allele origin: germline.
Comment: The TTN c.41812A>G variant is predicted to result in the amino acid substitution p.Met13938Val. To our knowledge, this variant has not been reported in the literature. This variant is reported in 0.0086% of alleles in individuals of European (Non-Finnish) descent in gnomAD. Although we suspect that this variant may be benign, at this time, the clinical significance of this variant is uncertain due to the absence of conclusive functional and genetic evidence.

CeGaT Center for Human Genetics Tuebingen
Classification: Uncertain significance. Last evaluated: 2024-10-01. Review status: criteria provided, single submitter. Criteria: CeGaT Center For Human Genetics Tuebingen Variant Classification Criteria Version 2. Collection method: clinical testing. Allele origin: germline. Affected: yes. Observed: 2 variant alleles.
Comment: TTN: PM2, BP4

GeneDx
Classification: Likely benign. Last evaluated: 2020-09-02. Review status: criteria provided, single submitter. Criteria: GeneDx Variant Classification Process June 2021. Collection method: clinical testing. Allele origin: germline. Affected: yes.

CHEO Genetics Diagnostic Laboratory, Children's Hospital of Eastern Ontario
Classification: Uncertain significance for Cardiomyopathy. Last evaluated: 2019-07-09. Review status: criteria provided, single submitter. Criteria: ACMG Guidelines, 2015. Collection method: clinical testing. Allele origin: germline.

Ambry Genetics
Classification: Uncertain significance for Cardiovascular phenotype. Last evaluated: 2019-02-17. Review status: criteria provided, single submitter. Criteria: Ambry Variant Classification Scheme 2023. Collection method: clinical testing. Allele origin: germline.
Comment: The p.M4873V variant (also known as c.14617A>G), located in coding exon 54 of the TTN gene, results from an A to G substitution at nucleotide position 14617. The methionine at codon 4873 is replaced by valine, an amino acid with highly similar properties. This amino acid position is poorly conserved in available vertebrate species. In addition, this alteration is predicted to be benign and unknown by PolyPhen and SIFT in silico analyses, respectively. Since supporting evidence is limited at this time, the clinical significance of this alteration remains unclear.

Eurofins Ntd Llc (ga)
Classification: Uncertain significance. Last evaluated: 2016-11-06. Review status: criteria provided, single submitter. Criteria: EGL Classification Definitions 2015. Collection method: clinical testing. Allele origin: germline. Observed: 1 variant allele, 1 heterozygote.

NM_001267550.2(TTN):c.41812A>G (p.Met13938Val)

Gene: TTN (titin; minus strand). Cytogenetic location: 2q31.2.
Variant type: single nucleotide variant.
Coding change: c.41812A>G on transcript NM_001267550.2 (MANE Select); coding-DNA position 41812, A replaced by G.
Protein change: p.Met13938Val; replaces methionine 13938 with valine.
Molecular consequence: missense variant.
Genome position (GRCh38, 1-based): chr2:178,635,512, T>C on the plus strand (A>G on the coding strand, the complement: TTN is on the minus strand). VCF-style: chr2-178635512-T-C. GRCh37 (hg19) VCF-style: chr2-179500239-T-C.
Other names: c.36889A>G, p.Met12297Val (NM_001256850.1); c.14617A>G, p.Met4873Val (NM_003319.4); c.34108A>G, p.Met11370Val (NM_133378.4); c.14992A>G, p.Met4998Val (NM_133432.3); c.15193A>G, p.Met5065Val (NM_133437.4); short protein forms M11370V, M13938V, M12297V, M4873V, M4998V, M5065V.
Identifiers: ClinVar variation 498193 (VCV000498193.35), dbSNP rs201725483, ClinGen allele CA1996208.
Genomic context (GRCh38, chr2:178,635,512, plus strand): 5'-GCTTTGCAGGGTATCTTTTTCCTTCAATTTCCACTGCATACTCAGCAATATCTTCTGGCA[T>C]AGCATTCTTAATTTTGAGGTACAGATGATTTCCATCTCTCAGTATTTCAGTCTTATCATT-3'
Protein context (NP_001254479.2, residues 13928-13948): NHLYLKIKNA[Met13938Val]PEDIAEYAVE